The following is an entry in ClinVar:

ClinVar aggregate classification (germline): Uncertain significance. Review status: criteria provided, multiple submitters, no conflicts (2 of 4 stars). 2 submissions from 2 submitters: Uncertain significance (2). Last evaluated 2024-07-17.

Conditions:
Cardiovascular phenotype. Identifiers: MedGen CN230736.
Catecholaminergic polymorphic ventricular tachycardia 1. Also called: VENTRICULAR TACHYCARDIA, STRESS-INDUCED POLYMORPHIC 1; VENTRICULAR TACHYCARDIA, CATECHOLAMINERGIC POLYMORPHIC, 1, WITH OR WITHOUT ATRIAL DYSFUNCTION AND/OR DILATED CARDIOMYOPATHY; RYR2-Related Catecholaminergic Polymorphic Ventricular Tachycardia. Identifiers: Orphanet 3286, MedGen C1631597, MONDO:0011484, OMIM 604772.

Allele frequency attached by ClinVar (database versions not stated): gnomAD 0.00001; TOPMed 0.00001; gnomAD exomes 0.00002; ExAC 0.00003.
gnomAD v4.1: 21 of 1,613,526 alleles (0.0013%); highest among the groups gnomAD compares: Non-Finnish European, 0.0016%; no homozygotes.

Submissions (2):

Ambry Genetics
Classification: Uncertain significance for Cardiovascular phenotype. Last evaluated: 2024-07-17. Review status: criteria provided, single submitter. Criteria: Ambry Variant Classification Scheme 2023. Collection method: clinical testing. Allele origin: germline.
Comment: The p.D252Y variant (also known as c.754G>T), located in coding exon 8 of the TRDN gene, results from a G to T substitution at nucleotide position 754. The aspartic acid at codon 252 is replaced by tyrosine, an amino acid with highly dissimilar properties. This amino acid position is not well conserved in available vertebrate species. In addition, this alteration is predicted to be tolerated by in silico analysis. Since supporting evidence is limited at this time, the clinical significance of this alteration remains unclear.

Labcorp Genetics (formerly Invitae), Labcorp
Classification: Uncertain significance for Catecholaminergic polymorphic ventricular tachycardia 1. Last evaluated: 2022-04-07. Review status: criteria provided, single submitter. Criteria: Invitae Variant Classification Sherloc (09022015). Collection method: clinical testing. Allele origin: germline.
Comment: This sequence change replaces aspartic acid, which is acidic and polar, with tyrosine, which is neutral and polar, at codon 252 of the TRDN protein (p.Asp252Tyr). This variant is present in population databases (rs749401047, gnomAD 0.003%). This variant has not been reported in the literature in individuals affected with TRDN-related conditions. ClinVar contains an entry for this variant (Variation ID: 463680). Algorithms developed to predict the effect of missense changes on protein structure and function are either unavailable or do not agree on the potential impact of this missense change (SIFT: "Deleterious"; PolyPhen-2: "Possibly Damaging"; Align-GVGD: "Class C0"). In summary, the available evidence is currently insufficient to determine the role of this variant in disease. Therefore, it has been classified as a Variant of Uncertain Significance.

NM_006073.4(TRDN):c.754G>T (p.Asp252Tyr)

Gene: TRDN (triadin; minus strand). Cytogenetic location: 6q22.31.
Variant type: single nucleotide variant.
Coding change: c.754G>T on transcript NM_006073.4 (MANE Select); coding-DNA position 754, G replaced by T.
Protein change: p.Asp252Tyr; replaces aspartic acid 252 with tyrosine.
Molecular consequence: missense variant.
Genome position (GRCh38, 1-based): chr6:123,503,758, C>A on the plus strand (G>T on the coding strand, the complement: TRDN is on the minus strand). VCF-style: chr6-123503758-C-A. GRCh37 (hg19) VCF-style: chr6-123824903-C-A.
Other names: c.754G>T, p.Asp252Tyr (NM_001251987.2, NM_001256020.2, NM_001256021.2); short protein forms D252Y.
Identifiers: ClinVar variation 463680 (VCV000463680.10), dbSNP rs749401047, ClinGen allele CA3984300.